The following is an entry in ClinVar:

ClinVar aggregate classification (germline): Uncertain significance. Review status: criteria provided, multiple submitters, no conflicts (2 of 4 stars). 2 submissions from 2 submitters: Uncertain significance (2). Last evaluated 2024-10-25.

Conditions:
Aicardi-Goutieres syndrome 2. Identifiers: Orphanet 51, MedGen C3489724, MONDO:0012429, OMIM 610181.

Allele frequency attached by ClinVar (database versions not stated): TOPMed 0.00001; gnomAD exomes 0.00004 and 0.00008; ExAC 0.00007; ESP Exome Variant Server 0.00008.
gnomAD v4.1: 67 of 1,611,280 alleles (0.0042%); highest among the groups gnomAD compares: South Asian, 0.021%; 1 homozygote.

Submissions (2):

Labcorp Genetics (formerly Invitae), Labcorp
Classification: Uncertain significance for Aicardi-Goutieres syndrome 2. Last evaluated: 2024-10-25. Review status: criteria provided, single submitter. Criteria: Invitae Variant Classification Sherloc (09022015). Collection method: clinical testing. Allele origin: germline.
Comment: This sequence change replaces leucine, which is neutral and non-polar, with valine, which is neutral and non-polar, at codon 84 of the RNASEH2B protein (p.Leu84Val). This variant is present in population databases (rs143523027, gnomAD 0.05%), including at least one homozygous and/or hemizygous individual. This variant has not been reported in the literature in individuals affected with RNASEH2B-related conditions. ClinVar contains an entry for this variant (Variation ID: 858934). Invitae Evidence Modeling of protein sequence and biophysical properties (such as structural, functional, and spatial information, amino acid conservation, physicochemical variation, residue mobility, and thermodynamic stability) has been performed for this missense variant. However, the output from this modeling did not meet the statistical confidence thresholds required to predict the impact of this variant on RNASEH2B protein function. In summary, the available evidence is currently insufficient to determine the role of this variant in disease. Therefore, it has been classified as a Variant of Uncertain Significance.

Breakthrough Genomics
Classification: Uncertain significance. Review status: criteria provided, single submitter. Criteria: ACMG Guidelines, 2015. Collection method: not provided. Allele origin: germline. Inheritance: Autosomal recessive inheritance. Affected: yes.

NM_024570.4(RNASEH2B):c.250C>G (p.Leu84Val)

Gene: RNASEH2B (ribonuclease H2 subunit B; plus strand). Cytogenetic location: 13q14.3.
Variant type: single nucleotide variant.
Coding change: c.250C>G on transcript NM_024570.4 (MANE Select); coding-DNA position 250, C replaced by G.
Protein change: p.Leu84Val; replaces leucine 84 with valine.
Molecular consequence: missense variant.
Genome position (GRCh38, 1-based): chr13:50,930,688, C>G. VCF-style: chr13-50930688-C-G. GRCh37 (hg19) VCF-style: chr13-51504824-C-G.
Other names: c.250C>G, p.Leu84Val (NM_001142279.2); short protein forms L84V.
Identifiers: ClinVar variation 858934 (VCV000858934.6), dbSNP rs143523027, ClinGen allele CA6985513.
Genomic context (GRCh38, chr13:50,930,688, plus strand): 5'-GCCACATTGTCTTTCCAAGACGTTTAATTCCCTTCATCCTTTTTGTAATCTGCAGGAGGT[C>G]TTCTCCATTTTGCCACACCTGTGGATCCTCTATTTCTGCTTCTCCACTACCTCATAAAGG-3'
Protein context (NP_078846.2, residues 74-94): FINQSVQSGG[Leu84Val]LHFATPVDPL